The following is an entry in ClinVar:

ClinVar aggregate classification (germline): Uncertain significance (1 of 4 stars; one submission).

Submission:

Labcorp Genetics (formerly Invitae), Labcorp
Classification: Uncertain significance. Last evaluated: 2021-12-09. Review status: criteria provided, single submitter. Criteria: Invitae Variant Classification Sherloc (09022015). Collection method: clinical testing. Allele origin: germline.
Comment: In summary, the available evidence is currently insufficient to determine the role of this variant in disease. Therefore, it has been classified as a Variant of Uncertain Significance. This sequence change replaces phenylalanine, which is neutral and non-polar, with tyrosine, which is neutral and polar, at codon 754 of the MCM3AP protein (p.Phe754Tyr). This variant is not present in population databases (gnomAD no frequency). This variant has not been reported in the literature in individuals affected with MCM3AP-related conditions. Algorithms developed to predict the effect of missense changes on protein structure and function are either unavailable or do not agree on the potential impact of this missense change (SIFT: "Deleterious"; PolyPhen-2: "Possibly Damaging"; Align-GVGD: "Class C15").

NM_003906.5(MCM3AP):c.2261T>A (p.Phe754Tyr)

Gene: MCM3AP (minichromosome maintenance complex component 3 associated protein; minus strand). Cytogenetic location: 21q22.3.
Variant type: single nucleotide variant.
Coding change: c.2261T>A on transcript NM_003906.5 (MANE Select); coding-DNA position 2261, T replaced by A.
Protein change: p.Phe754Tyr; replaces phenylalanine 754 with tyrosine.
Molecular consequence: missense variant.
Genome position (GRCh38, 1-based): chr21:46,272,765, A>T on the plus strand (T>A on the coding strand, the complement: MCM3AP is on the minus strand). VCF-style: chr21-46272765-A-T. GRCh37 (hg19) VCF-style: chr21-47692679-A-T.
Other names: short protein forms F754Y.
Identifiers: ClinVar variation 2038884 (VCV002038884.4), dbSNP rs2517407405, ClinGen allele CA410524428.